The following is an entry in ClinVar:

NM_032447.5(FBN3):c.7680C>T (p.His2560=)

Gene: FBN3 (fibrillin 3; minus strand). Cytogenetic location: 19p13.2.
Variant type: single nucleotide variant.
Coding change: c.7680C>T on transcript NM_032447.5 (MANE Select); coding-DNA position 7680, C replaced by T.
Protein change: p.His2560=; no amino-acid change (histidine 2560 retained).
Molecular consequence: synonymous variant.
Genome position (GRCh38, 1-based): chr19:8,075,093, G>A on the plus strand (C>T on the coding strand, the complement: FBN3 is on the minus strand). VCF-style: chr19-8075093-G-A. GRCh37 (hg19) VCF-style: chr19-8139977-G-A.
Other names: c.7680C>T, p.His2560= (NM_001321431.2); c.7680C>T (NM_001321431.1).
Identifiers: ClinVar variation 1639303 (VCV001639303.11), dbSNP rs61729621, ClinGen allele CA9150787.

ClinVar aggregate classification (germline): Benign. Review status: criteria provided, multiple submitters, no conflicts (2 of 4 stars). 3 submissions from 3 submitters: Benign (2). 1 of the submissions does not count toward it. Last evaluated 2026-02-03.

Conditions:
FBN3-related disorder. Also called: FBN3-related condition.

Allele frequency attached by ClinVar (database versions not stated): 1000 Genomes Project 30x 0.02202; 1000 Genomes Project 0.02236; ESP Exome Variant Server 0.03383.
gnomAD v4.1: 66,971 of 1,600,202 alleles (4.2%); highest among the groups gnomAD compares: Middle Eastern, 8.2%; 1,664 homozygotes.

Submissions (3):

Labcorp Genetics (formerly Invitae), Labcorp
Classification: Benign. Last evaluated: 2026-02-03. Review status: criteria provided, single submitter. Criteria: Invitae Variant Classification Sherloc (09022015). Collection method: clinical testing. Allele origin: germline.

Breakthrough Genomics
Classification: Benign. Review status: criteria provided, single submitter. Criteria: ACMG Guidelines, 2015. Collection method: not provided. Allele origin: germline. Inheritance: Unknown mechanism. Affected: yes.

PreventionGenetics, part of Exact Sciences
Classification: Benign for FBN3-related condition. Last evaluated: 2019-06-20. Review status: no assertion criteria provided. Collection method: clinical testing. Allele origin: germline. Not counted in ClinVar's aggregate classification.
Comment: This variant is classified as benign based on ACMG/AMP sequence variant interpretation guidelines (Richards et al. 2015 PMID: 25741868, with internal and published modifications).